The following is an entry in ClinVar:

ClinVar aggregate classification (germline): Benign/Likely benign. Review status: criteria provided, multiple submitters, no conflicts (2 of 4 stars). 2 submissions from 2 submitters: Benign (1); Likely benign (1). Last evaluated 2025-01-31.

Conditions:
Lynch syndrome 4 (LYNCH4). Also called: Colorectal cancer, hereditary nonpolyposis, type 4; Hereditary non-polyposis colorectal cancer, type 4. Identifiers: Orphanet 144, MedGen C1838333, MONDO:0013699, OMIM 614337. Disease mechanism: loss of function.
Hereditary cancer-predisposing syndrome. Also called: Neoplastic Syndromes, Hereditary; Tumor predisposition; Hereditary neoplastic syndrome; Hereditary Cancer Syndrome. Identifiers: Orphanet 140162, MedGen C0027672, MeSH D009386, MONDO:0015356.

Submissions (2):

Myriad Genetics, Inc.
Classification: Benign for Lynch syndrome 4. Last evaluated: 2025-01-31. Review status: criteria provided, single submitter. Criteria: Myriad Autosomal Dominant, Autosomal Recessive and X-Linked Classification Criteria (2023). Collection method: clinical testing. Allele origin: unknown.
Comment: This variant is considered benign. This variant is a silent/synonymous amino acid change and it is not expected to impact splicing.

Ambry Genetics
Classification: Likely benign for Hereditary cancer-predisposing syndrome. Last evaluated: 2023-01-02. Review status: criteria provided, single submitter. Criteria: Ambry Variant Classification Scheme 2023. Collection method: clinical testing. Allele origin: germline.

NM_000535.7(PMS2):c.1602C>T (p.Asp534=)

Gene: PMS2 (PMS1 homolog 2, mismatch repair system component; minus strand). Cytogenetic location: 7p22.1.
Variant type: single nucleotide variant.
Coding change: c.1602C>T on transcript NM_000535.7 (MANE Select); coding-DNA position 1602, C replaced by T.
Protein change: p.Asp534=; no amino-acid change (aspartic acid 534 retained).
Molecular consequence: synonymous variant. On other transcripts: non-coding transcript variant (1), intron variant (1).
Genome position (GRCh38, 1-based): chr7:5,987,163, G>A on the plus strand (C>T on the coding strand, the complement: PMS2 is on the minus strand). VCF-style: chr7-5987163-G-A. GRCh37 (hg19) VCF-style: chr7-6026794-G-A.
Other names: c.1197C>T, p.Asp399= (NM_001018040.1, NM_001322003.2, NM_001322004.2 and 17 more transcripts); c.1446C>T, p.Asp482= (NM_001322006.2, NM_001406870.1); c.1284C>T, p.Asp428= (NM_001322007.2, NM_001322008.2, NM_001406876.1 and 2 more transcripts); c.1041C>T, p.Asp347= (NM_001322010.2, NM_001406906.1, NM_001406907.1); c.669C>T, p.Asp223= (NM_001322011.2, NM_001322012.2); c.1029C>T, p.Asp343= (NM_001322013.2, NM_001406909.1); c.1602C>T, p.Asp534= (NM_001322014.2, NM_001406871.1, NM_001406872.1); c.1293C>T, p.Asp431= (NM_001322015.2, NM_001406875.1, NM_001406877.1 and 5 more transcripts); and 13 more.
Identifiers: ClinVar variation 2451602 (VCV002451602.3), dbSNP rs1554297497, ClinGen allele CA453746594.